The following is an entry in ClinVar:

ClinVar aggregate classification (germline): Uncertain significance (1 of 4 stars; one submission).

Conditions:
Combined oxidative phosphorylation defect type 17. Also called: Combined oxidative phosphorylation deficiency 17. Identifiers: Orphanet 369913, MedGen C3809526, MONDO:0014190, OMIM 615440.

Allele frequency attached by ClinVar (database versions not stated): gnomAD exomes below 0.00001.
gnomAD v4.1: 1 of 1,614,182 alleles (0.000062%); highest among the groups gnomAD compares: Non-Finnish European, 0.000085%; no homozygotes.

Submission:

Labcorp Genetics (formerly Invitae), Labcorp
Classification: Uncertain significance for Combined oxidative phosphorylation defect type 17. Last evaluated: 2022-07-14. Review status: criteria provided, single submitter. Criteria: Invitae Variant Classification Sherloc (09022015). Collection method: clinical testing. Allele origin: germline.
Comment: This sequence change replaces alanine, which is neutral and non-polar, with valine, which is neutral and non-polar, at codon 333 of the ELAC2 protein (p.Ala333Val). This variant is not present in population databases (gnomAD no frequency). This variant has not been reported in the literature in individuals affected with ELAC2-related conditions. Algorithms developed to predict the effect of missense changes on protein structure and function (SIFT, PolyPhen-2, Align-GVGD) all suggest that this variant is likely to be tolerated. In summary, the available evidence is currently insufficient to determine the role of this variant in disease. Therefore, it has been classified as a Variant of Uncertain Significance.

NM_018127.7(ELAC2):c.998C>T (p.Ala333Val)

Gene: ELAC2 (elaC ribonuclease Z 2; minus strand). Cytogenetic location: 17p12.
Variant type: single nucleotide variant.
Coding change: c.998C>T on transcript NM_018127.7 (MANE Select); coding-DNA position 998, C replaced by T.
Protein change: p.Ala333Val; replaces alanine 333 with valine.
Molecular consequence: missense variant.
Genome position (GRCh38, 1-based): chr17:13,003,560, G>A on the plus strand (C>T on the coding strand, the complement: ELAC2 is on the minus strand). VCF-style: chr17-13003560-G-A. GRCh37 (hg19) VCF-style: chr17-12906877-G-A.
Other names: c.878C>T, p.Ala293Val (NM_001165962.2); c.998C>T, p.Ala333Val (NM_173717.2); short protein forms A293V, A333V.
Identifiers: ClinVar variation 1921653 (VCV001921653.2), dbSNP rs2508293260, ClinGen allele CA398225953.
Genomic context (GRCh38, chr17:13,003,560, plus strand): 5'-CTGCTGTCCACAAGCACAGATGCTGGGGCCATGTGAACCACCAAGGCCACGGGGGCATCT[G>A]CCTTTCCTTGGTACCTGGGCAGAAGAGTGGGGCTTTACAAAGTGATGCAGACTCAGGACA-3'
Protein context (NP_060597.4, residues 323-343): NATFQRYQGK[Ala333Val]DAPVALVVHM